The following is an entry in ClinVar:

NM_001040108.2(MLH3):c.3053G>T (p.Gly1018Val)

Gene: MLH3 (mutL homolog 3; minus strand). Cytogenetic location: 14q24.3.
Variant type: single nucleotide variant.
Coding change: c.3053G>T on transcript NM_001040108.2 (MANE Select); coding-DNA position 3053, G replaced by T.
Protein change: p.Gly1018Val; replaces glycine 1018 with valine.
Molecular consequence: missense variant.
Genome position (GRCh38, 1-based): chr14:75,046,603, C>A on the plus strand (G>T on the coding strand, the complement: MLH3 is on the minus strand). VCF-style: chr14-75046603-C-A. GRCh37 (hg19) VCF-style: chr14-75513306-C-A.
Other names: c.3053G>T, p.Gly1018Val (NM_014381.3); short protein forms G1018V.
Identifiers: ClinVar variation 1960673 (VCV001960673.8), dbSNP rs147325766, ClinGen allele CA263647805.

ClinVar aggregate classification (germline): Uncertain significance. Review status: criteria provided, multiple submitters, no conflicts (2 of 4 stars). 2 submissions from 2 submitters: Uncertain significance (2). Last evaluated 2025-02-12.

Conditions:
Colorectal cancer, hereditary nonpolyposis, type 7. Identifiers: Orphanet 144, MedGen C1858380, MONDO:0013725, OMIM 614385.

Allele frequency attached by ClinVar (database versions not stated): ESP Exome Variant Server 0.00008.
gnomAD v4.1: 9 of 1,614,194 alleles (0.00056%); highest among the groups gnomAD compares: Non-Finnish European, 0.00076%; no homozygotes.

Submissions (2):

Ambry Genetics
Classification: Uncertain significance. Last evaluated: 2025-02-12. Review status: criteria provided, single submitter. Criteria: Ambry Variant Classification Scheme 2023. Collection method: clinical testing. Allele origin: germline.
Comment: The p.G1018V variant (also known as c.3053G>T), located in coding exon 1 of the MLH3 gene, results from a G to T substitution at nucleotide position 3053. The glycine at codon 1018 is replaced by valine, an amino acid with dissimilar properties. This amino acid position is conserved. In addition, this alteration is predicted to be tolerated by in silico analysis. Since supporting evidence is limited at this time, the clinical significance of this alteration remains unclear.

Labcorp Genetics (formerly Invitae), Labcorp
Classification: Uncertain significance for Colorectal cancer, hereditary nonpolyposis, type 7. Last evaluated: 2022-01-04. Review status: criteria provided, single submitter. Criteria: Invitae Variant Classification Sherloc (09022015). Collection method: clinical testing. Allele origin: germline.
Comment: In summary, the available evidence is currently insufficient to determine the role of this variant in disease. Therefore, it has been classified as a Variant of Uncertain Significance. Algorithms developed to predict the effect of sequence changes on RNA splicing suggest that this variant may create or strengthen a splice site. Algorithms developed to predict the effect of missense changes on protein structure and function are either unavailable or do not agree on the potential impact of this missense change (SIFT: "Deleterious"; PolyPhen-2: "Possibly Damaging"; Align-GVGD: "Class C0"). This variant has not been reported in the literature in individuals affected with MLH3-related conditions. This variant is present in population databases (rs147325766, gnomAD 0.0009%). This sequence change replaces glycine, which is neutral and non-polar, with valine, which is neutral and non-polar, at codon 1018 of the MLH3 protein (p.Gly1018Val).